The following is an entry in ClinVar:

NM_080680.3(COL11A2):c.2774G>C (p.Gly925Ala)

Gene: COL11A2 (collagen type XI alpha 2 chain; minus strand). Cytogenetic location: 6p21.32.
Variant type: single nucleotide variant.
Coding change: c.2774G>C on transcript NM_080680.3 (MANE Select); coding-DNA position 2774, G replaced by C.
Protein change: p.Gly925Ala; replaces glycine 925 with alanine.
Molecular consequence: missense variant.
Genome position (GRCh38, 1-based): chr6:33,173,076, C>G on the plus strand (G>C on the coding strand, the complement: COL11A2 is on the minus strand). VCF-style: chr6-33173076-C-G. GRCh37 (hg19) VCF-style: chr6-33140853-C-G.
Other names: c.2453G>C, p.Gly818Ala (NM_080679.3); c.2516G>C, p.Gly839Ala (NM_080681.3); short protein forms G839A, G925A, G818A.
Identifiers: ClinVar variation 1919844 (VCV001919844.5), dbSNP rs1301893676, ClinGen allele CA363640149.

ClinVar aggregate classification (germline): Uncertain significance (1 of 4 stars; one submission).

Submission:

Labcorp Genetics (formerly Invitae), Labcorp
Classification: Uncertain significance. Last evaluated: 2022-08-15. Review status: criteria provided, single submitter. Criteria: Invitae Variant Classification Sherloc (09022015). Collection method: clinical testing. Allele origin: germline.
Comment: This variant is not present in population databases (gnomAD no frequency). This sequence change replaces glycine, which is neutral and non-polar, with alanine, which is neutral and non-polar, at codon 925 of the COL11A2 protein (p.Gly925Ala). Advanced modeling of protein sequence and biophysical properties (such as structural, functional, and spatial information, amino acid conservation, physicochemical variation, residue mobility, and thermodynamic stability) performed at Invitae indicates that this missense variant is expected to disrupt COL11A2 protein function. In summary, the available evidence is currently insufficient to determine the role of this variant in disease. Therefore, it has been classified as a Variant of Uncertain Significance. This variant has not been reported in the literature in individuals affected with COL11A2-related conditions.